The following is an entry in ClinVar:

NM_003060.4(SLC22A5):c.245_246delinsTT (p.Arg82Leu)

Gene: SLC22A5 (solute carrier family 22 member 5; plus strand). Cytogenetic location: 5q31.1.
Variant type: Indel.
Coding change: c.245_246delinsTT on transcript NM_003060.4 (MANE Select); coding-DNA positions 245 to 246, GC replaced by TT.
Protein change: p.Arg82Leu; replaces arginine 82 with leucine.
Molecular consequence: missense variant.
Genome position (GRCh38, 1-based): chr5:132,370,217-132,370,218, GC replaced by TT. VCF-style: chr5-132370217-GC-TT. GRCh37 (hg19) VCF-style: chr5-131705909-GC-TT.
Other names: c.245_246delinsTT, p.Arg82Leu (NM_001308122.2); short protein forms R82L.
Identifiers: ClinVar variation 2042988 (VCV002042988.1), dbSNP rs2532089065, ClinGen allele CA2580072650.

ClinVar aggregate classification (germline): Uncertain significance (1 of 4 stars; one submission).

Conditions:
Renal carnitine transport defect (CDSP). Also called: Systemic primary carnitine deficiency disease; CARNITINE DEFICIENCY, SYSTEMIC, DUE TO DEFECT IN RENAL REABSORPTION OF CARNITINE; CARNITINE TRANSPORTER, PLASMA-MEMBRANE, DEFICIENCY OF; CARNITINE UPTAKE DEFECT; Systemic primary carnitine deficiency; Carnitine transporter deficiency. Identifiers: Orphanet 158, MedGen C0342788, MONDO:0008919, OMIM 212140.

Submission:

Labcorp Genetics (formerly Invitae), Labcorp
Classification: Uncertain significance for Renal carnitine transport defect. Last evaluated: 2022-04-01. Review status: criteria provided, single submitter. Criteria: Invitae Variant Classification Sherloc (09022015). Collection method: clinical testing. Allele origin: germline.
Comment: This sequence change replaces arginine, which is basic and polar, with leucine, which is neutral and non-polar, at codon 82 of the SLC22A5 protein (p.Arg82Leu). The frequency data for this variant in the population databases is considered unreliable, as metrics indicate poor data quality at this position in the gnomAD database. This variant has not been reported in the literature in individuals affected with SLC22A5-related conditions. Algorithms developed to predict the effect of missense changes on protein structure and function are either unavailable or do not agree on the potential impact of this missense change (SIFT: "Not Available"; PolyPhen-2: "Benign"; Align-GVGD: "Not Available"). In summary, the available evidence is currently insufficient to determine the role of this variant in disease. Therefore, it has been classified as a Variant of Uncertain Significance.